The following is an entry in ClinVar:

ClinVar aggregate classification (germline): Likely benign. Review status: criteria provided, single submitter (1 of 4 stars). 2 submissions from 2 submitters: Likely benign (1). 1 of the submissions does not count toward it. Last evaluated 2025-11-09.

Conditions:
MTO1-related disorder. Also called: MTO1-related condition.
Mitochondrial hypertrophic cardiomyopathy with lactic acidosis due to MTO1 deficiency. Also called: CARDIOMYOPATHY, INFANTILE HYPERTROPHIC MITOCHONDRIAL, AND LACTIC ACIDOSIS; Combined oxidative phosphorylation deficiency 10. Identifiers: Orphanet 314637, MedGen C4749921, MONDO:0013865, OMIM 614702.

Allele frequency attached by ClinVar (database versions not stated): gnomAD 0.00001; TOPMed 0.00001; ExAC 0.00002; gnomAD exomes 0.00003; 1000 Genomes Project 30x 0.00016; 1000 Genomes Project 0.00020.

Submissions (2):

Labcorp Genetics (formerly Invitae), Labcorp
Classification: Likely benign for Mitochondrial hypertrophic cardiomyopathy with lactic acidosis due to MTO1 deficiency. Last evaluated: 2025-11-09. Review status: criteria provided, single submitter. Criteria: Invitae Variant Classification Sherloc (09022015). Collection method: clinical testing. Allele origin: germline.

PreventionGenetics, part of Exact Sciences
Classification: Likely benign for MTO1-related condition. Last evaluated: 2023-02-13. Review status: no assertion criteria provided. Collection method: clinical testing. Allele origin: germline. Not counted in ClinVar's aggregate classification.
Comment: This variant is classified as likely benign based on ACMG/AMP sequence variant interpretation guidelines (Richards et al. 2015 PMID: 25741868, with internal and published modifications).

NM_012123.4(MTO1):c.1272C>T (p.Ala424=)

Gene: MTO1 (mitochondrial tRNA translation optimization 1; plus strand). Cytogenetic location: 6q13.
Variant type: single nucleotide variant.
Coding change: c.1272C>T on transcript NM_012123.4 (MANE Select); coding-DNA position 1272, C replaced by T.
Protein change: p.Ala424=; no amino-acid change (alanine 424 retained).
Molecular consequence: synonymous variant.
Genome position (GRCh38, 1-based): chr6:73,482,051, C>T. VCF-style: chr6-73482051-C-T. GRCh37 (hg19) VCF-style: chr6-74191774-C-T.
Other names: c.1272C>T (NM_012123.3); c.1392C>T, p.Ala464= (NM_001123226.2); c.1347C>T, p.Ala449= (NM_133645.3).
Identifiers: ClinVar variation 1660555 (VCV001660555.10), dbSNP rs184320231, ClinGen allele CA3889602.
Genomic context (GRCh38, chr6:73,482,051, plus strand): 5'-CGTTTGTTTAGTTCATAATGGCCTTTTAAACATTTCAGTGCTCTTGTAGGGTGTGATAGC[C>T]GGAATCAACGCCAGTCTTCGGGTCAGTCGCAAGCCTCCCTTTGTGGTTAGCCGAACAGAA-3'
Protein context (NP_036255.2, residues 414-434): YEEAAAQGVI[Ala424=]GINASLRVSR